The following is an entry in ClinVar:

ClinVar aggregate classification (germline): Likely pathogenic (1 of 4 stars; one submission).

Conditions:
Neuronal ceroid lipofuscinosis. Also called: Neuronal Ceroid Lipofuscinoses. Identifiers: Orphanet 216, Orphanet 79263, MedGen C0027877, MONDO:0016295. Disease mechanism: loss of function.

Allele frequency attached by ClinVar (database versions not stated): gnomAD 0.00001; TOPMed 0.00001.
gnomAD v4.1: 1 of 1,613,860 alleles (0.000062%); highest among the groups gnomAD compares: Non-Finnish European, 0.000085%; no homozygotes.

Submission:

Labcorp Genetics (formerly Invitae), Labcorp
Classification: Likely pathogenic for Neuronal ceroid lipofuscinosis. Last evaluated: 2022-12-20. Review status: criteria provided, single submitter. Criteria: Invitae Variant Classification Sherloc (09022015). Collection method: clinical testing. Allele origin: germline.
Comment: In summary, the currently available evidence indicates that the variant is pathogenic, but additional data are needed to prove that conclusively. Therefore, this variant has been classified as Likely Pathogenic. Algorithms developed to predict the effect of sequence changes on RNA splicing suggest that this variant may disrupt the consensus splice site. This variant has not been reported in the literature in individuals affected with CLN6-related conditions. This variant is not present in population databases (gnomAD no frequency). This sequence change affects an acceptor splice site in intron 4 of the CLN6 gene. It is expected to disrupt RNA splicing. Variants that disrupt the donor or acceptor splice site typically lead to a loss of protein function (PMID: 16199547), and loss-of-function variants in CLN6 are known to be pathogenic (PMID: 19135028).

Literature cited by the submitters: PubMed 16199547; PubMed 19135028.

NM_017882.3(CLN6):c.487-1G>T

Gene: CLN6 (CLN6 transmembrane ER protein; minus strand). Cytogenetic location: 15q23.
Variant type: single nucleotide variant.
Coding change: c.487-1G>T on transcript NM_017882.3 (MANE Select); the canonical splice acceptor site of the intron before coding-DNA position 487, G replaced by T.
Molecular consequence: splice acceptor variant.
Genome position (GRCh38, 1-based): chr15:68,211,319, C>A on the plus strand (G>T on the coding strand, the complement: CLN6 is on the minus strand). VCF-style: chr15-68211319-C-A. GRCh37 (hg19) VCF-style: chr15-68503657-C-A.
Other names: c.583-1G>T (NM_001411068.1).
Identifiers: ClinVar variation 2822464 (VCV002822464.3), dbSNP rs2093204407, ClinGen allele CA392973240.